The following is an entry in ClinVar:

NM_002878.4(RAD51D):c.481-15T>C

Genes: RAD51D (RAD51 paralog D; minus strand), RAD51L3-RFFL (RAD51L3-RFFL readthrough; minus strand). Cytogenetic location: 17q12.
Variant type: single nucleotide variant.
Coding change: c.481-15T>C on transcript NM_002878.4 (MANE Select); 15 bases into the intron before coding-DNA position 481, T replaced by C.
Molecular consequence: intron variant.
Genome position (GRCh38, 1-based): chr17:35,106,496, A>G on the plus strand (T>C on the coding strand, the complement: RAD51D is on the minus strand). VCF-style: chr17-35106496-A-G. GRCh37 (hg19) VCF-style: chr17-33433515-A-G.
Other names: c.145-15T>C (NM_133629.3); c.541-15T>C (NM_001142571.2).
Identifiers: ClinVar variation 2196898 (VCV002196898.5), dbSNP rs2509135771, ClinGen allele CA2580093490.
Genomic context (GRCh38, chr17:35,106,496, plus strand): 5'-AGATGTCAAATGCATGCACCACCTGGATCCTCCGGAGAGCTTCTGCCTGAAGCGGTGGAA[A>G]AGAAAAGCAAGGACTTTGGATAAGAGGGAGTAGGGGGGTCAAGGTAAGGCTGAGAAGGAA-3'

ClinVar aggregate classification (germline): Likely benign. Review status: criteria provided, multiple submitters, no conflicts (2 of 4 stars). 2 submissions from 2 submitters: Likely benign (2). Last evaluated 2025-05-12.

Conditions:
Breast-ovarian cancer, familial, susceptibility to, 4. Identifiers: Orphanet 145, MedGen C3280345, MONDO:0013669, OMIM 614291.

Submissions (2):

Labcorp Genetics (formerly Invitae), Labcorp
Classification: Likely benign for Breast-ovarian cancer, familial, susceptibility to, 4. Last evaluated: 2025-05-12. Review status: criteria provided, single submitter. Criteria: Invitae Variant Classification Sherloc (09022015). Collection method: clinical testing. Allele origin: germline.

Myriad Genetics, Inc.
Classification: Likely benign for Breast-ovarian cancer, familial, susceptibility to, 4. Last evaluated: 2025-02-21. Review status: criteria provided, single submitter. Criteria: Myriad Autosomal Dominant, Autosomal Recessive and X-Linked Classification Criteria (2023). Collection method: clinical testing. Allele origin: unknown.
Comment: This variant is considered likely benign. This variant is intronic and is not expected to impact mRNA splicing.